The following is an entry in ClinVar:

ClinVar aggregate classification (germline): Uncertain significance (1 of 4 stars; one submission).

Submission:

GeneDx
Classification: Uncertain significance. Last evaluated: 2026-03-10. Review status: criteria provided, single submitter. Criteria: GeneDx Variant Classification Process June 2021. Collection method: clinical testing. Allele origin: germline.
Comment: Not observed at significant frequency in large population cohorts (gnomAD); In silico analysis supports that this missense variant has a deleterious effect on protein structure/function; Has not been previously published as pathogenic or benign to our knowledge

NM_020338.4(ZMIZ1):c.1912A>C (p.Thr638Pro)

Gene: ZMIZ1 (zinc finger MIZ-type containing 1; plus strand). Cytogenetic location: 10q22.3.
Variant type: single nucleotide variant.
Coding change: c.1912A>C on transcript NM_020338.4 (MANE Select); coding-DNA position 1912, A replaced by C.
Protein change: p.Thr638Pro; replaces threonine 638 with proline.
Molecular consequence: missense variant.
Genome position (GRCh38, 1-based): chr10:79,300,835, A>C. VCF-style: chr10-79300835-A-C. GRCh37 (hg19) VCF-style: chr10-81060592-A-C.
Other names: short protein forms T638P.
Identifiers: ClinVar variation 5008949 (VCV005008949.1).